The following is an entry in ClinVar:

ClinVar aggregate classification (germline): Uncertain significance (1 of 4 stars; one submission).

Submission:

GeneDx
Classification: Uncertain significance. Last evaluated: 2024-09-11. Review status: criteria provided, single submitter. Criteria: GeneDx Variant Classification Process June 2021. Collection method: clinical testing. Allele origin: germline. Affected: yes.
Comment: Not observed at significant frequency in large population cohorts (gnomAD); In silico analysis supports that this missense variant has a deleterious effect on protein structure/function; Has not been previously published as pathogenic or benign to our knowledge

NM_006421.5(ARFGEF1):c.5222A>G (p.Glu1741Gly)

Gene: ARFGEF1 (ARF guanine nucleotide exchange factor 1; minus strand). Cytogenetic location: 8q13.2.
Variant type: single nucleotide variant.
Coding change: c.5222A>G on transcript NM_006421.5 (MANE Select); coding-DNA position 5222, A replaced by G.
Protein change: p.Glu1741Gly; replaces glutamic acid 1741 with glycine.
Molecular consequence: missense variant. On other transcripts: non-coding transcript variant (1).
Genome position (GRCh38, 1-based): chr8:67,201,512, T>C on the plus strand (A>G on the coding strand, the complement: ARFGEF1 is on the minus strand). VCF-style: chr8-67201512-T-C. GRCh37 (hg19) VCF-style: chr8-68113747-T-C.
Other names: c.5222A>G, p.Glu1741Gly (NM_001413184.1, NM_001413187.1, NM_001413194.1); c.5204A>G, p.Glu1735Gly (NM_001413185.1, NM_001413186.1, NM_001413189.1); c.4622A>G, p.Glu1541Gly (NM_001413188.1, NM_001413197.1); c.5216A>G, p.Glu1739Gly (NM_001413190.1); c.5126A>G, p.Glu1709Gly (NM_001413191.1); c.5108A>G, p.Glu1703Gly (NM_001413192.1); c.4604A>G, p.Glu1535Gly (NM_001413193.1); c.3797A>G, p.Glu1266Gly (NM_001413196.1); short protein forms E1266G, E1535G, E1541G, E1703G, E1709G, E1735G, E1739G, E1741G.
Identifiers: ClinVar variation 3769980 (VCV003769980.1).